The following continues an entry in ClinVar:

NM_000275.3(OCA2):c.1327G>A (p.Val443Ile)

Gene: OCA2. ClinVar aggregate classification (germline): Pathogenic/Likely pathogenic. Pathogenic (37); Likely pathogenic (2).

Submissions 11 to 24 of 51:

Genetics Department, University Hospital of Toulouse
Classification: Pathogenic for Tyrosinase-positive oculocutaneous albinism. Last evaluated: 2025-10-05. Review status: criteria provided, single submitter. Criteria: ACMG Guidelines, 2015. Collection method: clinical testing. Allele origin: maternal. Affected: yes.
Comment: It was previously described as pathogenic (PMID:37650133). WGS did not identify any other variant in the gene.

Revvity Omics, Revvity
Classification: Pathogenic. Last evaluated: 2025-06-10. Review status: criteria provided, single submitter. Criteria: ACMG Guidelines, 2015. Collection method: clinical testing. Allele origin: germline.

First Genomix Gene Laboratory, Genetic Diagnostics Department
Classification: Pathogenic for Tyrosinase-positive oculocutaneous albinism. Last evaluated: 2025-05-23. Review status: criteria provided, single submitter. Criteria: ACMG Guidelines, 2015. Collection method: clinical testing. Allele origin: germline. Inheritance: Autosomal recessive inheritance. Affected: no. Observed: 1 variant allele.

Victorian Clinical Genetics Services, Murdoch Childrens Research Institute
Classification: Pathogenic for Tyrosinase-positive oculocutaneous albinism. Last evaluated: 2025-04-22. Review status: criteria provided, single submitter. Criteria: ACMG Guidelines, 2015. Collection method: clinical testing. Allele origin: germline. Affected: yes.
Comment: This variant is classified as Pathogenic. Evidence in support of pathogenic classification: Variant is present in gnomAD <0.01 for a recessive condition (v2) (852 heterozygotes, 4 homozygotes); This variant has strong previous evidence of pathogenicity in unrelated individuals. This variant has been classified as pathogenic and likely pathogenic by multiple clinical laboratories in ClinVar. Additional information: Variant is predicted to result in a missense amino acid change from valine to isoleucine; This variant is heterozygous; This gene is associated with autosomal recessive disease; An alternative amino acid change at the same position has been observed in gnomAD (v2) (1 heterozygote, 0 homozygotes); Variant is located in the annotated citrate transporter domain (DECIPHER); Missense variant with conflicting in silico predictions and/or uninformative conservation; Loss of function is a known mechanism of disease in this gene and is associated with brown oculocutaneous albinism (MIM#203200) and oculocutaneous albinism, type II (MIM#203200); Variants in this gene are known to have variable expressivity (PMID: 24518832; OMIM); Inheritance information for this variant is not currently available in this individual.

Division of Genetic & Genomic Pathology, Hong Kong Children's Hospital
Classification: Pathogenic for Tyrosinase-positive oculocutaneous albinism. Last evaluated: 2024-12-06. Review status: criteria provided, single submitter. Criteria: ACMG Guidelines, 2015. Collection method: clinical testing. Allele origin: germline. Affected: yes.
Comment: The missense variant OCA2 c.1327G>A p.(Val443Ile) is located in exon 13 of the gene. This variant is present in population controls at an allele frequency of 0.59% (gnomAD v4.1.0: 9,545 in 1,613,948 alleles, 39 homozygotes). It has been deposited in ClinVar as pathogenic/likely pathogenic variant, and has been reported in numerous individuals with oculocutaneous albinism in homozygotes or compound heterozygous state (ClinVar Accession: VCV000000955.86). In-silico predictions suggest that the variant may be damaging (REVEL score: 0.747). Experiments suggested V443I leads to a reduction in chloride conductance (PMID: 25513726). For these reasons, this variant is classified as pathogenic. This variant is inherited in trans with another intronic variant.

Blueprint Genetics
Classification: Pathogenic for OCA2-related disorders. Last evaluated: 2024-11-26. Review status: criteria provided, single submitter. Criteria: ACMG Guidelines, 2015. Collection method: clinical testing. Allele origin: germline. Affected: yes. Observed: 5 variant alleles.

3billion
Classification: Likely pathogenic for Tyrosinase-positive oculocutaneous albinism. Last evaluated: 2024-09-24. Review status: criteria provided, single submitter. Criteria: ACMG Guidelines, 2015. Collection method: clinical testing. Allele origin: germline. Affected: yes.
Comment: The variant is observed in the gnomAD v4.1 dataset (total allele frequency: 0.6%). Predicted Consequence/Location: Missense variant In silico tool predictions suggest damaging effect of the variant on gene or gene product [REVEL: 0.75 (>=0.6, sensitivity 0.68 and specificity 0.92); 3Cnet: 0.99 (>=0.6, sensitivity 0.72 and precision 0.9)]. The same nucleotide change resulting in the same amino acid change has been previously reported as pathogenic/likely pathogenic with strong evidence (ClinVar ID: VCV000000955 /PMID: 8302318 /3billion dataset). A different missense change at the same codon (p.Val443Ala) has been reported to be associated with OCA2-related disorder (ClinVar ID: VCV001516182). Therefore, this variant is classified as Likely pathogenic according to the recommendation of ACMG/AMP guideline.

NHS Central & South Genomic Laboratory Hub
Classification: Pathogenic for Albinism or congenital nystagmus. Last evaluated: 2024-07-01. Review status: criteria provided, single submitter. Criteria: ACMG Guidelines, 2015. Collection method: clinical testing. Allele origin: germline. Affected: yes.

Bioscientia Institut fuer Medizinische Diagnostik GmbH, Sonic Healthcare
Classification: Pathogenic for Tyrosinase-positive oculocutaneous albinism. Last evaluated: 2024-04-15. Review status: criteria provided, single submitter. Criteria: ACMG Guidelines, 2015. Collection method: clinical testing. Allele origin: germline. Affected: yes.

Baylor Genetics
Classification: Pathogenic for SKIN/HAIR/EYE PIGMENTATION 1, BLUE/NONBLUE EYES. Last evaluated: 2024-03-30. Review status: criteria provided, single submitter. Criteria: ACMG Guidelines, 2015. Collection method: clinical testing. Allele origin: unknown.

Pittsburgh Clinical Genomics Laboratory, University of Pittsburgh Medical Center
Classification: Pathogenic for Tyrosinase-positive oculocutaneous albinism. Last evaluated: 2023-10-24. Review status: criteria provided, single submitter. Criteria: ACMG Guidelines, 2015. Collection method: clinical testing. Allele origin: germline. Inheritance: Autosomal recessive inheritance. Affected: yes.
Comment: This sequence variant is a single nucleotide substitution (G>A) at position 1327 of the coding sequence of the OCA2 gene that results in a valine to isoleucine amino acid change at residue 443 of the OCA2 melanosomal transmembrane protein. This residue falls in a lumil loop domain which plays a critical role in OCA2 melanosomal transmembrane protein's function in melanin production (PMID: 25513726). This is a previously reported variant (ClinVar 955) that has been observed in individuals affected by oculocutaneous albinism (PMID: 8302318, 18463683, 32830442, 31233279, 34246199, 31196117) and melanoma (PMID: 32966289, 31233279). This variant is present in 860 of 281442 alleles (0.3056%) in the gnomAD population dataset. Multiple bioinformatic tools predict that this valine to isoleucine amino acid change would be damaging, and the Val443 residue at this position is highly conserved across the vertebrate species examined. Studies examining the functiol consequence of this variant demonstrate impaired protein function leading to reduced/absent melanin production (PMID: 8980282, 25513726). Based upon the evidence, we consider this variant to be pathogenic. ACMG Criteria: PM3, PP3, PS3, PS4

Greenwood Genetic Center Diagnostic Laboratories, Greenwood Genetic Center
Classification: Pathogenic for Tyrosinase-positive oculocutaneous albinism. Last evaluated: 2023-10-04. Review status: criteria provided, single submitter. Criteria: ACMG Guidelines, 2015. Collection method: clinical testing. Allele origin: germline. Affected: yes.
Comment: PS3, PP3, PM3_Strong, PM6

Clinical Genomics Laboratory, Washington University in St. Louis
Classification: Pathogenic for Tyrosinase-positive oculocutaneous albinism. Last evaluated: 2023-09-22. Review status: criteria provided, single submitter. Criteria: ACMG Guidelines, 2015. Collection method: clinical testing. Allele origin: germline. Affected: yes.
Comment: The OCA2 c.1327G>A (p.Val443Ile) variant has been reported in the homozygous and compound heterozygous state in many individuals affected with oculocutaneous albinism and is reported to be the most common pathogenic OCA2 variant in individuals of European ancestry (Andersen JD et al., PMID: 27468418; Gao J et al., PMID: 28451379; Gargiulo A et al., PMID: 20861488; Hutton SM et al., PMID: 18463683; Oetting WS et al., PMID: 15712365; Wolfson Y et al., PMID: 26474496). This variant has been reported in the ClinVar database as a germline pathogenic variant by more than 20 submitters. The highest population minor allele frequency in the genome aggregation database (v.2.1.1) is 0.5% in the European population which is consistent with the carrier frequency of oculocutaneous albinism (Grønskov K et al., PMID: 17980020). Computational predictors indicate that the variant is damaging, evidence that correlates with impact to OCA2 function. In support of this prediction, functional studies show the variant reduced protein function and altered protein localization (Bellono NW et al., PMID: 25513726; Sviderskaya EV et al., PMID: 8980282). Based on available information and the ACMG/AMP guidelines for variant interpretation (Richards S et al., PMID: 25741868), this variant is classified as pathogenic.

Institute for Clinical Genetics, University Hospital TU Dresden, University Hospital TU Dresden
Classification: Pathogenic. Last evaluated: 2022-11-30. Review status: criteria provided, single submitter. Criteria: ACMG Guidelines, 2015. Collection method: clinical testing. Allele origin: germline.
Comment: PM3, PS3, PP3, PM5, PS4